The following is an entry in ClinVar:

NM_000264.5(PTCH1):c.3268G>T (p.Val1090Phe)

Gene: PTCH1 (patched 1; minus strand). Cytogenetic location: 9q22.32.
Variant type: single nucleotide variant.
Coding change: c.3268G>T on transcript NM_000264.5 (MANE Select); coding-DNA position 3268, G replaced by T.
Protein change: p.Val1090Phe; replaces valine 1090 with phenylalanine.
Molecular consequence: missense variant. On other transcripts: non-coding transcript variant (1).
Genome position (GRCh38, 1-based): chr9:95,456,314, C>A on the plus strand (G>T on the coding strand, the complement: PTCH1 is on the minus strand). VCF-style: chr9-95456314-C-A. GRCh37 (hg19) VCF-style: chr9-98218596-C-A.
Other names: c.3070G>T, p.Val1024Phe (NM_001083602.3); c.3265G>T, p.Val1089Phe (NM_001083603.3); c.2815G>T, p.Val939Phe (NM_001083604.3, NM_001083605.3, NM_001083606.3 and 1 more transcripts); c.3112G>T, p.Val1038Phe (NM_001354918.2); short protein forms V1024F, V939F, V1038F, V1089F, V1090F.
Identifiers: ClinVar variation 2753657 (VCV002753657.3), dbSNP rs775188592, ClinGen allele CA374112030.

ClinVar aggregate classification (germline): Uncertain significance (1 of 4 stars; one submission).

Conditions:
Gorlin syndrome. Also called: Nevoid Basal Cell Carcinoma Syndrome; Basal cell nevus syndrome. Identifiers: Orphanet 377, MedGen C0004779, MONDO:0007187.

Submission:

Labcorp Genetics (formerly Invitae), Labcorp
Classification: Uncertain significance for Gorlin syndrome. Last evaluated: 2025-07-31. Review status: criteria provided, single submitter. Criteria: Invitae Variant Classification Sherloc (09022015). Collection method: clinical testing. Allele origin: germline.
Comment: This sequence change replaces valine, which is neutral and non-polar, with phenylalanine, which is neutral and non-polar, at codon 1090 of the PTCH1 protein (p.Val1090Phe). This variant is not present in population databases (gnomAD no frequency). This variant has not been reported in the literature in individuals affected with PTCH1-related conditions. ClinVar contains an entry for this variant (Variation ID: 2753657). Invitae Evidence Modeling of protein sequence and biophysical properties (such as structural, functional, and spatial information, amino acid conservation, physicochemical variation, residue mobility, and thermodynamic stability) has been performed for this missense variant. However, the output from this modeling did not meet the statistical confidence thresholds required to predict the impact of this variant on PTCH1 protein function. In summary, the available evidence is currently insufficient to determine the role of this variant in disease. Therefore, it has been classified as a Variant of Uncertain Significance.